The following is an entry in ClinVar:

ClinVar aggregate classification (germline): Uncertain significance. Review status: criteria provided, multiple submitters, no conflicts (2 of 4 stars). 5 submissions from 5 submitters: Uncertain significance (5). Last evaluated 2024-04-15.

Conditions:
Neurofibromatosis, type 1 (NF1). Also called: Neurofibromatosis, type I; Peripheral type neurofibromatosis; VON RECKLINGHAUSEN DISEASE; NEUROFIBROMATOSIS, TYPE I, SOMATIC. Identifiers: Orphanet 636, MedGen C0027831, MONDO:0018975, OMIM 162200. Disease mechanism: loss of function.
Hereditary cancer-predisposing syndrome. Also called: Neoplastic Syndromes, Hereditary; Hereditary Cancer Syndrome; Hereditary neoplastic syndrome; Tumor predisposition. Identifiers: Orphanet 140162, MedGen C0027672, MeSH D009386, MONDO:0015356.
Cardiovascular phenotype. Identifiers: MedGen CN230736.

gnomAD v4.1: 1 of 1,614,152 alleles (0.000062%); highest among the groups gnomAD compares: Non-Finnish European, 0.000085%; no homozygotes.

Submissions (5):

Labcorp Genetics (formerly Invitae), Labcorp
Classification: Uncertain significance for Neurofibromatosis, type 1. Last evaluated: 2024-04-15. Review status: criteria provided, single submitter. Criteria: Invitae Variant Classification Sherloc (09022015). Collection method: clinical testing. Allele origin: germline.
Comment: This sequence change replaces phenylalanine, which is neutral and non-polar, with isoleucine, which is neutral and non-polar, at codon 1357 of the NF1 protein (p.Phe1357Ile). This variant is not present in population databases (gnomAD no frequency). This variant has not been reported in the literature in individuals affected with NF1-related conditions. ClinVar contains an entry for this variant (Variation ID: 824562). Advanced modeling of protein sequence and biophysical properties (such as structural, functional, and spatial information, amino acid conservation, physicochemical variation, residue mobility, and thermodynamic stability) performed at Invitae indicates that this missense variant is expected to disrupt NF1 protein function with a positive predictive value of 95%. In summary, the available evidence is currently insufficient to determine the role of this variant in disease. Therefore, it has been classified as a Variant of Uncertain Significance.

GeneDx
Classification: Uncertain significance. Last evaluated: 2023-11-28. Review status: criteria provided, single submitter. Criteria: GeneDx Variant Classification Process June 2021. Collection method: clinical testing. Allele origin: germline. Affected: yes.
Comment: Not observed at significant frequency in large population cohorts (gnomAD); In silico analysis supports that this missense variant has a deleterious effect on protein structure/function; Has not been previously published as pathogenic or benign to our knowledge; This variant is associated with the following publications: (PMID: 25486365, 22807134)

Genome-Nilou Lab
Classification: Uncertain significance for Neurofibromatosis, type 1. Last evaluated: 2022-03-15. Review status: criteria provided, single submitter. Criteria: ACMG Guidelines, 2015. Collection method: clinical testing. Allele origin: germline. Affected: no.

Sema4
Classification: Uncertain significance for Hereditary cancer-predisposing syndrome. Last evaluated: 2021-09-18. Review status: criteria provided, single submitter. Criteria: Sema4 Curation Guidelines. Collection method: curation. Allele origin: germline.
Comment: The NF1 c.4069T>A (p.F1357I) variant has not been reported in the literature to our knowledge. It was not observed in the large and broad cohorts of the Genome Aggregation Database. The variant has been reported in ClinVar (Variation ID 824562). In silico tools suggest the impact of the variant on protein function is deleterious, though these predictions have not been confirmed by functional studies. The evidence is insufficient to meet ACMG/AMP criteria for classifying the variant as benign or pathogenic. Thus, the clinical significance of this variant is currently uncertain.

Ambry Genetics
Classification: Uncertain significance for Cardiovascular phenotype; Hereditary cancer-predisposing syndrome. Last evaluated: 2019-02-07. Review status: criteria provided, single submitter. Criteria: Ambry Variant Classification Scheme 2023. Collection method: clinical testing. Allele origin: germline.
Comment: The p.F1357I variant (also known as c.4069T>A), located in coding exon 30 of the NF1 gene, results from a T to A substitution at nucleotide position 4069. The phenylalanine at codon 1357 is replaced by isoleucine, an amino acid with highly similar properties. This amino acid position is highly conserved in available vertebrate species. In addition, this alteration is predicted to be deleterious by in silico analysis. Since supporting evidence is limited at this time, the clinical significance of this alteration remains unclear.

NM_001042492.3(NF1):c.4069T>A (p.Phe1357Ile)

Gene: NF1 (neurofibromin 1; plus strand). Cytogenetic location: 17q11.2.
Variant type: single nucleotide variant.
Coding change: c.4069T>A on transcript NM_001042492.3 (MANE Select); coding-DNA position 4069, T replaced by A.
Protein change: p.Phe1357Ile; replaces phenylalanine 1357 with isoleucine.
Molecular consequence: missense variant.
Genome position (GRCh38, 1-based): chr17:31,249,078, T>A. VCF-style: chr17-31249078-T-A. GRCh37 (hg19) VCF-style: chr17-29576096-T-A.
Other names: c.4069T>A, p.Phe1357Ile (NM_000267.4); short protein forms F1357I.
Identifiers: ClinVar variation 824562 (VCV000824562.14), dbSNP rs1207255352, ClinGen allele CA398995017.
Genomic context (GRCh38, chr17:31,249,078, plus strand): 5'-CGGAACCTCCTTCAGATGACTGAAAAGTTCTTCCATGCCATCATCAGTTCCTCCTCAGAA[T>A]TCCCCCCTCAACTTCGAAGTGTGTGCCACTGTTTATACCAGGTATGCTTACAGTTAGAGA-3'
Protein context (NP_001035957.1, residues 1347-1367): FHAIISSSSE[Phe1357Ile]PPQLRSVCHC